The following is an entry in ClinVar:

NM_000286.3(PEX12):c.349A>C (p.Ile117Leu)

Gene: PEX12 (peroxisomal biogenesis factor 12; minus strand). Cytogenetic location: 17q12.
Variant type: single nucleotide variant.
Coding change: c.349A>C on transcript NM_000286.3 (MANE Select); coding-DNA position 349, A replaced by C.
Protein change: p.Ile117Leu; replaces isoleucine 117 with leucine.
Molecular consequence: missense variant.
Genome position (GRCh38, 1-based): chr17:35,577,369, T>G on the plus strand (A>C on the coding strand, the complement: PEX12 is on the minus strand). VCF-style: chr17-35577369-T-G. GRCh37 (hg19) VCF-style: chr17-33904388-T-G.
Other names: short protein forms I117L.
Identifiers: ClinVar variation 1937031 (VCV001937031.5), dbSNP rs767207001, ClinGen allele CA399138320.

ClinVar aggregate classification (germline): Uncertain significance (1 of 4 stars; one submission).

Conditions:
Peroxisome biogenesis disorder 3A (Zellweger). Also called: PEROXISOMAL BIOGENESIS DISORDER 3A (ZELLWEGER); Peroxisome biogenesis disorder 3A. Identifiers: Orphanet 912, MedGen C3553929, MONDO:0013927, OMIM 614859.

Submission:

Labcorp Genetics (formerly Invitae), Labcorp
Classification: Uncertain significance for Peroxisome biogenesis disorder 3A (Zellweger). Last evaluated: 2022-07-15. Review status: criteria provided, single submitter. Criteria: Invitae Variant Classification Sherloc (09022015). Collection method: clinical testing. Allele origin: germline.
Comment: This sequence change replaces isoleucine, which is neutral and non-polar, with leucine, which is neutral and non-polar, at codon 117 of the PEX12 protein (p.Ile117Leu). This variant is not present in population databases (gnomAD no frequency). This variant has not been reported in the literature in individuals affected with PEX12-related conditions. Algorithms developed to predict the effect of missense changes on protein structure and function output the following: SIFT: "Tolerated"; PolyPhen-2: "Benign"; Align-GVGD: "Class C0". The leucine amino acid residue is found in multiple mammalian species, which suggests that this missense change does not adversely affect protein function. In summary, the available evidence is currently insufficient to determine the role of this variant in disease. Therefore, it has been classified as a Variant of Uncertain Significance.